The following is an entry in ClinVar:

NM_005359.6(SMAD4):c.372_373dup (p.Ser125fs)

Gene: SMAD4 (SMAD family member 4; plus strand). Cytogenetic location: 18q21.2.
Variant type: Duplication.
Coding change: c.372_373dup on transcript NM_005359.6 (MANE Select); coding-DNA positions 372 to 373, 2 bases duplicated (TA; older notation c.372_373dupTA).
Protein change: p.Ser125fs; shifts the reading frame from serine 125.
Molecular consequence: frameshift variant.
Genome position (GRCh38, 1-based): chr18:51,048,808-51,048,809, TA duplicated; duplicating any 2 consecutive bases within chr18:51,048,807-51,048,809 gives the same sequence; the c. name uses the placement nearest the transcript's 3' end. VCF-style (leftmost placement, unchanged base first): chr18-51048806-G-GAT. GRCh37 (hg19) VCF-style: chr18-48575176-G-GAT.
Other names: c.372_373dup, p.Ser125Ilefs (NM_001407041.1, NM_001407042.1, NM_001407043.1); c.372_373dupTA (NM_005359.5); short protein forms S125fs.
Identifiers: ClinVar variation 1734287 (VCV001734287.3), dbSNP rs2511369618, ClinGen allele CA2580095873.

ClinVar aggregate classification (germline): Pathogenic. Review status: criteria provided, multiple submitters, no conflicts (2 of 4 stars). 2 submissions from 2 submitters: Pathogenic (2). Last evaluated 2023-06-01.

Conditions:
Myhre syndrome (MYHRS). Also called: LARYNGOTRACHEAL STENOSIS, ARTHROPATHY, PROGNATHISM, AND SHORT STATURE; LAPS SYNDROME. Identifiers: Orphanet 2588, MedGen C0796081, MONDO:0007688, OMIM 139210.
Familial thoracic aortic aneurysm and aortic dissection (TAAD). Also called: Thoracic aortic aneurysms and dissections. Identifiers: Orphanet 91387, MedGen C4707243, MONDO:0019625.
Hereditary cancer-predisposing syndrome. Also called: Neoplastic Syndromes, Hereditary; Tumor predisposition; Hereditary Cancer Syndrome; Hereditary neoplastic syndrome. Identifiers: Orphanet 140162, MedGen C0027672, MeSH D009386, MONDO:0015356.

Submissions (2):

Laboratory of Medical Genetics, National & Kapodistrian University of Athens
Classification: Pathogenic for Myhre syndrome. Last evaluated: 2023-06-01. Review status: criteria provided, single submitter. Criteria: ACMG Guidelines, 2015. Collection method: clinical testing. Allele origin: germline. Affected: yes.
Comment: PVS1, PM2, PP5

Ambry Genetics
Classification: Pathogenic for Hereditary cancer-predisposing syndrome; Familial thoracic aortic aneurysm and aortic dissection. Last evaluated: 2020-02-06. Review status: criteria provided, single submitter. Criteria: Ambry Variant Classification Scheme 2023. Collection method: clinical testing. Allele origin: germline.
Comment: The c.372_373dupTA pathogenic mutation, located in coding exon 2 of the SMAD4 gene, results from a duplication of TA at nucleotide position 372, causing a translational frameshift with a predicted alternate stop codon (p.S125Ifs*5). This variant was not reported in population-based cohorts in the Genome Aggregation Database (gnomAD). This alteration is expected to result in loss of function by premature protein truncation or nonsense-mediated mRNA decay. As such, this alteration is interpreted as a disease-causing mutation.